The following is an entry in ClinVar:

ClinVar aggregate classification (germline): Pathogenic/Likely pathogenic. Review status: criteria provided, multiple submitters, no conflicts (2 of 4 stars). 2 submissions from 2 submitters: Pathogenic (1); Likely pathogenic (1). Last evaluated 2024-04-15.

Conditions:
CDH23-related disorder. Also called: CDH23-related condition; CDH23-related disorders.

Submissions (2):

Labcorp Genetics (formerly Invitae), Labcorp
Classification: Pathogenic. Last evaluated: 2024-04-15. Review status: criteria provided, single submitter. Criteria: Invitae Variant Classification Sherloc (09022015). Collection method: clinical testing. Allele origin: germline.
Comment: This sequence change creates a premature translational stop signal (p.Ala2146Glyfs*11) in the CDH23 gene. It is expected to result in an absent or disrupted protein product. Loss-of-function variants in CDH23 are known to be pathogenic (PMID: 11138009, 21940737). This variant is not present in population databases (gnomAD no frequency). This variant has not been reported in the literature in individuals affected with CDH23-related conditions. ClinVar contains an entry for this variant (Variation ID: 865850). For these reasons, this variant has been classified as Pathogenic.

Blueprint Genetics
Classification: Likely pathogenic for CDH23-related disorders. Last evaluated: 2019-01-12. Review status: criteria provided, single submitter. Criteria: ACMG Guidelines, 2015. Collection method: clinical testing. Allele origin: germline. Affected: yes. Observed: 1 variant allele.

Literature cited by the submitters: PubMed 11138009 (cited by Labcorp Genetics (formerly Invitae), Labcorp); PubMed 21940737 (cited by Labcorp Genetics (formerly Invitae), Labcorp).

NM_022124.6(CDH23):c.6435_6463del (p.Ala2146fs)

Gene: CDH23 (cadherin related 23; plus strand). Cytogenetic location: 10q22.1.
Variant type: Deletion.
Coding change: c.6435_6463del on transcript NM_022124.6 (MANE Select); coding-DNA positions 6435 to 6463, 29 bases deleted (GGCCACCGACCGGGGCACCGTTCCTCTCT).
Protein change: p.Ala2146fs; shifts the reading frame from alanine 2146.
Molecular consequence: frameshift variant.
Genome position (GRCh38, 1-based): chr10:71,793,363-71,793,391, GGCCACCGACCGGGGCACCGTTCCTCTCT deleted; deleting any 29 consecutive bases within chr10:71,793,362-71,793,391 gives the same sequence; the c. name uses the placement nearest the transcript's 3' end. VCF-style (leftmost placement, unchanged base first): chr10-71793361-GTGGCCACCGACCGGGGCACCGTTCCTCTC-G. GRCh37 (hg19) VCF-style: chr10-73553118-GTGGCCACCGACCGGGGCACCGTTCCTCTC-G.
Other names: short protein forms A2146fs.
Identifiers: ClinVar variation 865850 (VCV000865850.8), dbSNP rs1841315122, ClinGen allele CA916083139.